The following is an entry in ClinVar:

NM_001273.5(CHD4):c.790G>A (p.Glu264Lys)

Gene: CHD4 (chromodomain helicase DNA binding protein 4; minus strand). Cytogenetic location: 12p13.31.
Variant type: single nucleotide variant.
Coding change: c.790G>A on transcript NM_001273.5 (MANE Select); coding-DNA position 790, G replaced by A.
Protein change: p.Glu264Lys; replaces glutamic acid 264 with lysine.
Molecular consequence: missense variant.
Genome position (GRCh38, 1-based): chr12:6,601,298, C>T on the plus strand (G>A on the coding strand, the complement: CHD4 is on the minus strand). VCF-style: chr12-6601298-C-T. GRCh37 (hg19) VCF-style: chr12-6710464-C-T.
Other names: c.769G>A, p.Glu257Lys (NM_001297553.2); c.790G>A, p.Glu264Lys (NM_001363606.2); short protein forms E257K, E264K.
Identifiers: ClinVar variation 4975892 (VCV004975892.1).

ClinVar aggregate classification (germline): Uncertain significance (1 of 4 stars; one submission).

Submission:

GeneDx
Classification: Uncertain significance. Last evaluated: 2026-02-05. Review status: criteria provided, single submitter. Criteria: GeneDx Variant Classification Process June 2021. Collection method: clinical testing. Allele origin: germline.
Comment: Not observed at significant frequency in large population cohorts (gnomAD); In silico analysis supports that this missense variant has a deleterious effect on protein structure/function; Has not been previously published as pathogenic or benign to our knowledge